The following is an entry in ClinVar:

ClinVar aggregate classification (germline): Likely benign (1 of 4 stars; one submission).

Allele frequency attached by ClinVar (database versions not stated): 1000 Genomes Project 30x 0.00156; 1000 Genomes Project 0.00180; TOPMed 0.00299; gnomAD 0.00334; ESP Exome Variant Server 0.00379; ExAC 0.00444; gnomAD exomes 0.00586.
gnomAD v4.1: 8,788 of 1,576,400 alleles (0.56%); highest among the groups gnomAD compares: Non-Finnish European, 0.7%; 34 homozygotes.

Submission:

CeGaT Center for Human Genetics Tuebingen
Classification: Likely benign. Last evaluated: 2026-07-01. Review status: criteria provided, single submitter. Criteria: CeGaT Center For Human Genetics Tuebingen Variant Classification Criteria Version 2. Collection method: clinical testing. Allele origin: germline. Affected: yes. Observed: 8 variant alleles.
Comment: DPP6: BP4, BS2

NM_130797.4(DPP6):c.666C>T (p.Ser222=)

Gene: DPP6 (dipeptidyl peptidase like 6; plus strand). Cytogenetic location: 7q36.2.
Variant type: single nucleotide variant.
Coding change: c.666C>T on transcript NM_130797.4 (MANE Select); coding-DNA position 666, C replaced by T.
Protein change: p.Ser222=; no amino-acid change (serine 222 retained).
Molecular consequence: synonymous variant. On other transcripts: non-coding transcript variant (2), intron variant (1).
Genome position (GRCh38, 1-based): chr7:154,637,859, C>T. VCF-style: chr7-154637859-C-T. GRCh37 (hg19) VCF-style: chr7-154429569-C-T.
Other names: c.474C>T, p.Ser158= (NM_001039350.3, NM_001364501.2); c.483C>T, p.Ser161= (NM_001364497.2, NM_001364498.2, NM_001364499.2 and 1 more transcripts); c.480C>T, p.Ser160= (NM_001936.5); c.441+70943C>T (NM_001290252.2).
Identifiers: ClinVar variation 2658259 (VCV002658259.24), dbSNP rs78772149, ClinGen allele CA4583262.